The following is an entry in ClinVar:

NM_015272.5(RPGRIP1L):c.230+711A>T

Gene: RPGRIP1L (RPGRIP1 like; minus strand). Cytogenetic location: 16q12.2.
Variant type: single nucleotide variant.
Coding change: c.230+711A>T on transcript NM_015272.5 (MANE Select); 711 bases into the intron after coding-DNA position 230, A replaced by T.
Molecular consequence: intron variant. On other transcripts: missense variant (1).
Genome position (GRCh38, 1-based): chr16:53,695,440, T>A on the plus strand (A>T on the coding strand, the complement: RPGRIP1L is on the minus strand). VCF-style: chr16-53695440-T-A. GRCh37 (hg19) VCF-style: chr16-53729352-T-A.
Other names: c.249A>T, p.Arg83Ser (NM_001328422.2); c.230+711A>T (NM_001127897.4, NM_001330538.2, NM_001308334.3); short protein forms R83S.
Identifiers: ClinVar variation 3357810 (VCV003357810.2).

ClinVar aggregate classification (germline): Likely benign. Review status: criteria provided, single submitter (1 of 4 stars). 2 submissions from 2 submitters: Likely benign (1). 1 of the submissions does not count toward it. Last evaluated 2024-08-22.

Conditions:
RPGRIP1L-related disorder. Also called: RPGRIP1L-related condition; RPGRIP1L-related disorders. Identifiers: MedGen CN239416.

gnomAD v4.1: 96 of 702,866 alleles (0.014%); highest among the groups gnomAD compares: African/African-American, 0.16%; no homozygotes.

Submissions (2):

Blueprint Genetics
Classification: Likely benign. Last evaluated: 2024-08-22. Review status: criteria provided, single submitter. Criteria: ACMG Guidelines, 2015. Collection method: clinical testing. Allele origin: germline.

PreventionGenetics, part of Exact Sciences
Classification: Likely benign for RPGRIP1L-related condition. Last evaluated: 2024-08-27. Review status: no assertion criteria provided. Collection method: clinical testing. Allele origin: germline. Not counted in ClinVar's aggregate classification.
Comment: This variant is classified as likely benign based on ACMG/AMP sequence variant interpretation guidelines (Richards et al. 2015 PMID: 25741868, with internal and published modifications).